The following is an entry in ClinVar:

NM_014363.6(SACS):c.4840T>C (p.Phe1614Leu)

Gene: SACS (sacsin molecular chaperone; minus strand). Cytogenetic location: 13q12.12.
Variant type: single nucleotide variant.
Coding change: c.4840T>C on transcript NM_014363.6 (MANE Select); coding-DNA position 4840, T replaced by C.
Protein change: p.Phe1614Leu; replaces phenylalanine 1614 with leucine.
Molecular consequence: missense variant.
Genome position (GRCh38, 1-based): chr13:23,339,036, A>G on the plus strand (T>C on the coding strand, the complement: SACS is on the minus strand). VCF-style: chr13-23339036-A-G. GRCh37 (hg19) VCF-style: chr13-23913175-A-G.
Other names: p.Phe1614Leu; c.4399T>C, p.Phe1467Leu (NM_001278055.2); short protein forms F1467L, F1614L.
Identifiers: ClinVar variation 995228 (VCV000995228.7), dbSNP rs771080306, ClinGen allele CA6911339.
Genomic context (GRCh38, chr13:23,339,036, plus strand): 5'-CTACAGTCAAAGGTAACTGACAGCCAAATACATCTATAAATGGTTTGAACTGATTAGGAA[A>G]TTTTCTAAGTCTTTTCTGTTGTTTACTCCAATTAATTTTGATCCCAGGATTGGATTTGTC-3'
Protein context (NP_055178.3, residues 1604-1624): WSKQQKRLRK[Phe1614Leu]PNQFKPFIDV

ClinVar aggregate classification (germline): Conflicting classifications of pathogenicity. Review status: criteria provided, conflicting classifications (1 of 4 stars). 5 submissions from 5 submitters: Uncertain significance (3); Likely benign (1). 1 of the submissions does not count toward it. Last evaluated 2025-08-07.

Conditions:
Inborn genetic diseases. Identifiers: MedGen C0950123, MeSH D030342.
Spastic paraplegia. Identifiers: MedGen C0037772, HP:0001258.
Charlevoix-Saguenay spastic ataxia (SACS). Also called: AUTOSOMAL RECESSIVE SPASTIC ATAXIA OF CHARLEVOIX-SAGUENAY; Spastic ataxia of Charlevoix-Saguenay; SPASTIC ATAXIA 6, AUTOSOMAL RECESSIVE. Identifiers: Orphanet 98, MedGen C1849140, MONDO:0010041, OMIM 270550.

Allele frequency attached by ClinVar (database versions not stated): ExAC 0.00001; gnomAD 0.00001; gnomAD exomes 0.00001; TOPMed 0.00002.
gnomAD v4.1: 7 of 1,613,384 alleles (0.00043%); highest among the groups gnomAD compares: South Asian, 0.0066%; 1 homozygote.

Submissions (5):

Ambry Genetics
Classification: Uncertain significance for Inborn genetic diseases. Last evaluated: 2025-08-07. Review status: criteria provided, single submitter. Criteria: Ambry Variant Classification Scheme 2023. Collection method: clinical testing. Allele origin: germline.

Mayo Clinic Laboratories, Mayo Clinic
Classification: Uncertain significance. Last evaluated: 2024-06-03. Review status: criteria provided, single submitter. Criteria: ACMG Guidelines, 2015. Collection method: clinical testing. Allele origin: germline. Observed: 1 variant allele.
Comment: PM2

Labcorp Genetics (formerly Invitae), Labcorp
Classification: Likely benign for Spastic paraplegia. Last evaluated: 2023-03-19. Review status: criteria provided, single submitter. Criteria: Invitae Variant Classification Sherloc (09022015). Collection method: clinical testing. Allele origin: germline.

Athena Diagnostics
Classification: Uncertain significance. Last evaluated: 2020-03-23. Review status: criteria provided, single submitter. Criteria: Athena Diagnostics Criteria. Collection method: clinical testing. Allele origin: unknown.

Natera, Inc.
Classification: Uncertain significance for Charlevoix-Saguenay type spastic ataxia. Last evaluated: 2021-03-11. Review status: no assertion criteria provided. Collection method: clinical testing. Allele origin: germline. Not counted in ClinVar's aggregate classification.